The following is an entry in ClinVar:

NM_001253852.3(AP4B1):c.402A>C (p.Ser134=)

Gene: AP4B1 (adaptor related protein complex 4 subunit beta 1; minus strand). Cytogenetic location: 1p13.2.
Variant type: single nucleotide variant.
Coding change: c.402A>C on transcript NM_001253852.3 (MANE Select); coding-DNA position 402, A replaced by C.
Protein change: p.Ser134=; no amino-acid change (serine 134 retained).
Molecular consequence: synonymous variant. On other transcripts: intron variant (1).
Genome position (GRCh38, 1-based): chr1:113,901,822, T>G on the plus strand (A>C on the coding strand, the complement: AP4B1 is on the minus strand). VCF-style: chr1-113901822-T-G. GRCh37 (hg19) VCF-style: chr1-114444444-T-G.
Other names: p.Ser134=; c.105A>C, p.Ser35= (NM_001253853.3); c.402A>C, p.Ser134= (NM_006594.5); c.114-1422A>C (NM_001308312.2).
Identifiers: ClinVar variation 157722 (VCV000157722.25), dbSNP rs34751342, ClinGen allele CA171113.

ClinVar aggregate classification (germline): Benign. Review status: criteria provided, multiple submitters, no conflicts (2 of 4 stars). 8 submissions from 8 submitters: Benign (7). 1 of the submissions does not count toward it. Last evaluated 2026-02-02.

Conditions:
Inborn genetic diseases. Identifiers: MedGen C0950123, MeSH D030342.
Hereditary spastic paraplegia 47. Also called: CEREBRAL PALSY, SPASTIC QUADRIPLEGIC, 5; adaptor protein 4 (AP-4) deficiency syndrome; Spastic paraplegia 47, autosomal recessive. Identifiers: Orphanet 280763, MedGen C3279738, MONDO:0013551, OMIM 614066.
Hereditary spastic paraplegia. Also called: Familial spastic paraparesis. Identifiers: Orphanet 685, MedGen C0037773, MONDO:0019064. Disease mechanism: loss of function.

Allele frequency attached by ClinVar (database versions not stated): 1000 Genomes Project 30x 0.02139; 1000 Genomes Project 0.02157; TOPMed 0.02728; ESP Exome Variant Server 0.02983; gnomAD 0.03013; gnomAD exomes 0.03639; ExAC 0.03667.
gnomAD v4.1: 63,501 of 1,614,146 alleles (3.9%); highest among the groups gnomAD compares: South Asian, 6.7%; 1,578 homozygotes.

Submissions (8):

Labcorp Genetics (formerly Invitae), Labcorp
Classification: Benign for Hereditary spastic paraplegia 47. Last evaluated: 2026-02-02. Review status: criteria provided, single submitter. Criteria: Invitae Variant Classification Sherloc (09022015). Collection method: clinical testing. Allele origin: germline.

Genome-Nilou Lab
Classification: Benign for Hereditary spastic paraplegia 47. Last evaluated: 2023-04-11. Review status: criteria provided, single submitter. Criteria: ACMG Guidelines, 2015. Collection method: clinical testing. Allele origin: germline. Affected: no.

Genome Diagnostics Laboratory, The Hospital for Sick Children
Classification: Benign for Hereditary spastic paraplegia. Last evaluated: 2021-11-09. Review status: criteria provided, single submitter. Criteria: ACMG Guidelines, 2015. Collection method: clinical testing. Allele origin: germline. Affected: yes.

Mayo Clinic Laboratories, Mayo Clinic
Classification: Benign. Last evaluated: 2018-04-19. Review status: criteria provided, single submitter. Criteria: ACMG Guidelines, 2015. Collection method: clinical testing. Allele origin: germline. Observed: 60 variant alleles.

GeneDx
Classification: Benign. Last evaluated: 2016-04-25. Review status: criteria provided, single submitter. Criteria: GeneDx Variant Classification (06012015). Collection method: clinical testing. Allele origin: germline. Affected: yes.
Comment: This variant is considered likely benign or benign based on one or more of the following criteria: it is a conservative change, it occurs at a poorly conserved position in the protein, it is predicted to be benign by multiple in silico algorithms, and/or has population frequency not consistent with disease.

Ambry Genetics
Classification: Benign for Inborn genetic diseases. Last evaluated: 2016-03-19. Review status: criteria provided, single submitter. Criteria: Ambry Variant Classification Scheme 2023. Collection method: clinical testing. Allele origin: germline.

Breakthrough Genomics
Classification: Benign. Review status: criteria provided, single submitter. Criteria: ACMG Guidelines, 2015. Collection method: not provided. Allele origin: germline. Inheritance: Autosomal recessive inheritance. Affected: yes.

Genetic Services Laboratory, University of Chicago
Classification: Likely benign. Review status: no assertion criteria provided. Collection method: clinical testing. Allele origin: germline. Inheritance: Autosomal recessive inheritance. Not counted in ClinVar's aggregate classification.
Comment: Likely benign based on allele frequency in 1000 Genomes Project or ESP global frequency and its presence in a patient with a rare or unrelated disease phenotype. NOT Sanger confirmed